The following is an entry in ClinVar:

ClinVar aggregate classification (germline): Uncertain significance (1 of 4 stars; one submission).

Conditions:
Brachyolmia-amelogenesis imperfecta syndrome. Also called: PLATYSPONDYLY WITH AMELOGENESIS IMPERFECTA; Tooth agenesis, selective, 6; Dental anomalies and short stature. Identifiers: Orphanet 2899, MedGen C1832594, MONDO:0011018, OMIM 601216. Disease mechanism: loss of function.

Submission:

Labcorp Genetics (formerly Invitae), Labcorp
Classification: Uncertain significance for Brachyolmia-amelogenesis imperfecta syndrome. Last evaluated: 2022-10-21. Review status: criteria provided, single submitter. Criteria: Invitae Variant Classification Sherloc (09022015). Collection method: clinical testing. Allele origin: germline.
Comment: In summary, the available evidence is currently insufficient to determine the role of this variant in disease. Therefore, it has been classified as a Variant of Uncertain Significance. Algorithms developed to predict the effect of missense changes on protein structure and function are either unavailable or do not agree on the potential impact of this missense change (SIFT: "Deleterious"; PolyPhen-2: "Benign"; Align-GVGD: "Class C0"). This variant has not been reported in the literature in individuals affected with LTBP3-related conditions. This variant is not present in population databases (gnomAD no frequency). This sequence change replaces serine, which is neutral and polar, with arginine, which is basic and polar, at codon 252 of the LTBP3 protein (p.Ser252Arg).

NM_001130144.3(LTBP3):c.756C>A (p.Ser252Arg)

Gene: LTBP3 (latent transforming growth factor beta binding protein 3; minus strand). Cytogenetic location: 11q13.1.
Variant type: single nucleotide variant.
Coding change: c.756C>A on transcript NM_001130144.3 (MANE Select); coding-DNA position 756, C replaced by A.
Protein change: p.Ser252Arg; replaces serine 252 with arginine.
Molecular consequence: missense variant.
Genome position (GRCh38, 1-based): chr11:65,553,809, G>T on the plus strand (C>A on the coding strand, the complement: LTBP3 is on the minus strand). VCF-style: chr11-65553809-G-T. GRCh37 (hg19) VCF-style: chr11-65321280-G-T.
Other names: c.405C>A, p.Ser135Arg (NM_001164266.1); c.756C>A, p.Ser252Arg (NM_021070.4); short protein forms S135R, S252R.
Identifiers: ClinVar variation 1717797 (VCV001717797.6), dbSNP rs2135158323, ClinGen allele CA381275852.